The following is an entry in ClinVar:

NM_000156.6(GAMT):c.613del (p.Glu205fs)

Gene: GAMT (guanidinoacetate N-methyltransferase; minus strand). Cytogenetic location: 19p13.3.
Variant type: Deletion.
Coding change: c.613del on transcript NM_000156.6 (MANE Select); coding-DNA position 613, one base deleted (G; older notation c.613delG).
Protein change: p.Glu205fs; shifts the reading frame from glutamic acid 205.
Molecular consequence: frameshift variant.
Genome position (GRCh38, 1-based): chr19:1,397,457, C deleted on the plus strand (G on the coding strand, the reverse complement: GAMT is on the minus strand); the first of 3 consecutive C bases (chr19:1,397,457-1,397,459); deleting any one gives the same sequence. VCF-style (leftmost placement, unchanged base first): chr19-1397456-TC-T. GRCh37 (hg19) VCF-style: chr19-1397455-TC-T.
Other names: short protein forms E205fs.
Identifiers: ClinVar variation 4817656 (VCV004817656.1).
Genomic context (GRCh38, chr19:1,397,456, plus strand): 5'-AAGGCGTAGTAGCGGCAGTCGGCCGGTGGGACCAGCGCCATCACCTCCGTACGGATGTTC[TC>T]CCTCCGGAAGCCGGCCTCCAGCAGCGCGGGCACCTGCGTCTCCTGGTCGGGGATGGCACC-3'

ClinVar aggregate classification (germline): Likely pathogenic (1 of 4 stars; one submission).

Conditions:
Deficiency of guanidinoacetate methyltransferase (CCDS2). Also called: CEREBRAL CREATINE DEFICIENCY SYNDROME 2; Guanidinoacetate Methyltransferase (GAMT) Deficiency; GAMT DEFICIENCY. Identifiers: Orphanet 382, MedGen C0574080, MONDO:0012999, OMIM 612736.

Submission:

Natera, Inc.
Classification: Likely pathogenic for Guanidinoacetate methyltransferase deficiency. Last evaluated: 2024-11-18. Review status: criteria provided, single submitter. Criteria: Natera Variant Classification Schema (03/2026). Collection method: clinical testing. Allele origin: germline.
Comment: The c.613del variant in GAMT is a frameshift variant predicted to shift the reading frame beginning at codon 205 and leads to a stop codon 7 codons downstream. This variant is expected to result in nonsense mediated decay, truncation, or a dysfunctional protein product. This variant is rare in the general population with a frequency below the threshold expected for the associated phenotype(s). Given the available evidence, this variant is classified as Likely Pathogenic.